The following continues an entry in ClinVar:

NM_000257.4(MYH7):c.2221G>C (p.Gly741Arg)

Gene: MYH7. ClinVar aggregate classification (germline): Pathogenic. Pathogenic (1).

Submissions 8 to 16 of 16:

Institute of Immunology and Genetics Kaiserslautern
Classification: Pathogenic for Hypertrophic cardiomyopathy 1. Last evaluated: 2023-10-04. Review status: criteria provided, single submitter. Criteria: ACMG Guidelines, 2015. Collection method: clinical testing. Allele origin: germline. Affected: yes. Not counted in ClinVar's aggregate classification.
Comment: ACMG Criteria: PM1, PM2, PS1, PP1, PP3, PM5; Variant was found in a heterozygous state

GeneDx
Classification: Pathogenic. Last evaluated: 2021-11-23. Review status: criteria provided, single submitter. Criteria: GeneDx Variant Classification Process June 2021. Collection method: clinical testing. Allele origin: germline. Affected: yes. Not counted in ClinVar's aggregate classification.
Comment: Not observed in large population cohorts (gnomAD); Published functional studies evaluating the contractile properties of single slow-twitch muscle fibers from patients with this variant demonstrate that G741R results in decreased maximum velocity of fiber shortening and decreased isometric force generation, suggesting this variant has a damaging effect on the protein (Lankford et al., 1995); In silico analysis, which includes protein predictors and evolutionary conservation, supports a deleterious effect; This variant is associated with the following publications: (PMID: 7731997, 24093860, 27532257, 27476098, 31006259, 33642254, 15563892, 20031618, 8483915, 15358028, 12707239, 28246639, 27247418, 24111713, 29300372, 24704860, 32710294, 25935763, 32894683, 7883988)

Fulgent Genetics
Classification: Pathogenic for MYH7-related skeletal myopathy; Myosin storage myopathy; Hypertrophic cardiomyopathy 1; Myopathy, myosin storage, autosomal recessive; Congenital myopathy 4A, autosomal dominant; Dilated cardiomyopathy 1S. Last evaluated: 2021-09-26. Review status: criteria provided, single submitter. Criteria: ACMG Guidelines, 2015. Collection method: clinical testing. Allele origin: unknown. Not counted in ClinVar's aggregate classification.

CHEO Genetics Diagnostic Laboratory, Children's Hospital of Eastern Ontario
Classification: Pathogenic for Cardiomyopathy. Last evaluated: 2019-02-12. Review status: criteria provided, single submitter. Criteria: ACMG Guidelines, 2015. Collection method: clinical testing. Allele origin: germline. Not counted in ClinVar's aggregate classification.

Agnes Ginges Centre for Molecular Cardiology, Centenary Institute
Classification: Pathogenic for Hypertrophic cardiomyopathy 1. Last evaluated: 2017-06-14. Review status: criteria provided, single submitter. Criteria: ACMG Guidelines, 2015. Collection method: research. Allele origin: germline. Affected: yes. Not counted in ClinVar's aggregate classification.
Comment: The MYH7 Gly741Arg (c.2221G>C) has been reported in more than 10 unrelated HCM probands and has been found to cosegregate in a few cases (see literature). Song L, et al., (2005), reported 1 HCM where the variant arose de novo. The variant is absent in the 1000 genomes project, as well as the Exome Aggregation Consortium dataset. Computational tools, SIFT, PolyPhen-2, PolyPhen-HCM and MutationTaster predict this variant to be deleterious. Furthermore functional studies suggest that the variant results in decreased velocity of shortening and reduced isometric force generation (Lankford EB, et al., 1995). In a large HCM population study Walsh et al., showed that MYH7 variants identified in HCM cases were found to cluster between amino acids 181- 937 (2017), this implies that variants in this region are likely to cause a HCM phenotype. Furthermore variant located in the converter region of MYH7 (amino acids 709-777) are predicted to result in worse outcomes (Garcia-Giustiniani D, et al., 2015). Interestingly, a different rare variant at this position (Gly741Trp) has also been classified as pathogenic, suggesting that an amino acid substitution at this site may not be tolerated. In summary based on this evidence we classify MYH7 Gly741Arg as 'Pathogenic'.

Knight Diagnostic Laboratories, Oregon Health and Sciences University
Classification: Pathogenic for Cardiomyopathy, hypertrophic. Last evaluated: 2016-03-31. Review status: criteria provided, single submitter. Criteria: ACMG Guidelines, 2015. Collection method: clinical testing. Allele origin: germline. Observed: 1 variant allele. Not counted in ClinVar's aggregate classification.

Laboratory for Molecular Medicine, Mass General Brigham Personalized Medicine
Classification: Likely pathogenic for Hypertrophic cardiomyopathy. Last evaluated: 2015-10-16. Review status: criteria provided, single submitter. Criteria: LMM Criteria. Collection method: clinical testing. Allele origin: germline. Inheritance: Autosomal dominant inheritance. Observed: 6 variant alleles. Not counted in ClinVar's aggregate classification.
Comment: The p.Gly741Arg variant has been reported in >10 individuals with HCM, occurred de novo in one of them, and segregated with disease in 3 affected relatives from 2 families (Fananapazir 1993, Malinchik 1997, Richard 2003, Van Driest 2004, So ng 2005, Kaski 2009, LMM unpublished data). It has not been identified in large population studies. This variant was predicted to be pathogenic using a computat ional tool clinically validated by our laboratory. This tool's pathogenic predic tion is estimated to be correct 94% of the time (Jordan 2011). In summary, altho ugh additional studies are required to fully establish its clinical significance , this variant is likely pathogenic.

Laboratory of Genetics and Molecular Cardiology, University of São Paulo
Classification: Likely pathogenic for Hypertrophic cardiomyopathy 1. Review status: criteria provided, single submitter. Criteria: LGCM Criteria August 2015. Collection method: clinical testing. Allele origin: germline. Inheritance: Autosomal dominant inheritance. Affected: yes. Observed: 2 variant alleles. Study: Sarcomeric Human Cardiomyopathy Registry (ShaRe). Not counted in ClinVar's aggregate classification.

OMIM
Classification: Pathogenic for CARDIOMYOPATHY, FAMILIAL HYPERTROPHIC, 1. Last evaluated: 1993-05-01. Review status: no assertion criteria provided. Collection method: literature only. Allele origin: germline. Not counted in ClinVar's aggregate classification.

Literature cited by the submitters: PubMed 8483915 (cited by 7 submitters); PubMed 15358028 (cited by 6 submitters); PubMed 15563892 (cited by 6 submitters); PubMed 27532257 (cited by ClinGen Cardiomyopathy Variant Curation Expert Panel and Agnes Ginges Centre for Molecular Cardiology, Centenary Institute); PubMed 20031618 (cited by 4 submitters); PubMed 29300372 (cited by ClinGen Cardiomyopathy Variant Curation Expert Panel and Ambry Genetics); PubMed 12707239 (cited by 4 submitters); PubMed 24093860 (cited by 3 submitters); PubMed 24111713 (cited by 3 submitters); PubMed 24704860 (cited by Labcorp Genetics (formerly Invitae), Labcorp); PubMed 8533830 (cited by Labcorp Genetics (formerly Invitae), Labcorp and Ambry Genetics); PubMed 15856146 (cited by Labcorp Genetics (formerly Invitae), Labcorp); PubMed 11196015 (cited by 3 submitters); PubMed 22555271 (cited by Ambry Genetics); PubMed 29101517 (cited by Ambry Genetics and Agnes Ginges Centre for Molecular Cardiology, Centenary Institute); PubMed 7883988 (cited by 4 submitters); PubMed 9140824 (cited by Agnes Ginges Centre for Molecular Cardiology, Centenary Institute and Laboratory for Molecular Medicine, Mass General Brigham Personalized Medicine); PubMed 7731997 (cited by 3 submitters); PubMed 19808356 (cited by Agnes Ginges Centre for Molecular Cardiology, Centenary Institute); PubMed 25935763 (cited by Agnes Ginges Centre for Molecular Cardiology, Centenary Institute); PubMed 24865491 (cited by Agnes Ginges Centre for Molecular Cardiology, Centenary Institute); PubMed 28246639 (cited by Agnes Ginges Centre for Molecular Cardiology, Centenary Institute); PubMed 21216834 (cited by Agnes Ginges Centre for Molecular Cardiology, Centenary Institute); PubMed 20800588 (cited by Agnes Ginges Centre for Molecular Cardiology, Centenary Institute).